The following is an entry in ClinVar:

NM_002470.4(MYH3):c.932A>G (p.Tyr311Cys)

Gene: MYH3 (myosin heavy chain 3; minus strand). Cytogenetic location: 17p13.1.
Variant type: single nucleotide variant.
Coding change: c.932A>G on transcript NM_002470.4 (MANE Select); coding-DNA position 932, A replaced by G.
Protein change: p.Tyr311Cys; replaces tyrosine 311 with cysteine.
Molecular consequence: missense variant.
Genome position (GRCh38, 1-based): chr17:10,645,999, T>C on the plus strand (A>G on the coding strand, the complement: MYH3 is on the minus strand). VCF-style: chr17-10645999-T-C. GRCh37 (hg19) VCF-style: chr17-10549316-T-C.
Other names: short protein forms Y311C.
Identifiers: ClinVar variation 3632363 (VCV003632363.2).

ClinVar aggregate classification (germline): Uncertain significance (1 of 4 stars; one submission).

Submission:

Labcorp Genetics (formerly Invitae), Labcorp
Classification: Uncertain significance. Last evaluated: 2025-01-08. Review status: criteria provided, single submitter. Criteria: Invitae Variant Classification Sherloc (09022015). Collection method: clinical testing. Allele origin: germline.
Comment: This sequence change replaces tyrosine, which is neutral and polar, with cysteine, which is neutral and slightly polar, at codon 311 of the MYH3 protein (p.Tyr311Cys). This variant is present in population databases (no rsID available, gnomAD 0.0009%). This variant has not been reported in the literature in individuals affected with MYH3-related conditions. Invitae Evidence Modeling of protein sequence and biophysical properties (such as structural, functional, and spatial information, amino acid conservation, physicochemical variation, residue mobility, and thermodynamic stability) has been performed for this missense variant. However, the output from this modeling did not meet the statistical confidence thresholds required to predict the impact of this variant on MYH3 protein function. In summary, the available evidence is currently insufficient to determine the role of this variant in disease. Therefore, it has been classified as a Variant of Uncertain Significance.